The following is an entry in ClinVar:

NM_000169.3(GLA):c.811G>T (p.Gly271Cys)

Genes: GLA (galactosidase alpha; minus strand), RPL36A-HNRNPH2 (RPL36A-HNRNPH2 readthrough; plus strand). Cytogenetic location: Xq22.1.
Variant type: single nucleotide variant.
Coding change: c.811G>T on transcript NM_000169.3 (MANE Select); coding-DNA position 811, G replaced by T.
Protein change: p.Gly271Cys; replaces glycine 271 with cysteine.
Molecular consequence: missense variant. On other transcripts: non-coding transcript variant (3), intron variant (2).
Genome position (GRCh38, 1-based): chrX:101,398,558, C>A on the plus strand (G>T on the coding strand, the complement: GLA is on the minus strand). VCF-style: chrX-101398558-C-A. GRCh37 (hg19) VCF-style: chrX-100653546-C-A.
Other names: c.934G>T, p.Gly312Cys (NM_001406747.1); c.811G>T, p.Gly271Cys (NM_001406748.1); c.300+3101C>A (NM_001199973.2); c.177+6736C>A (NM_001199974.2); short protein forms G271C, G312C.
Identifiers: ClinVar variation 3281495 (VCV003281495.3).

ClinVar aggregate classification (germline): Likely pathogenic. Review status: criteria provided, multiple submitters, no conflicts (2 of 4 stars). 2 submissions from 2 submitters: Likely pathogenic (2). Last evaluated 2026-09-08.

Conditions:
Fabry disease. Also called: Fabry's disease; ALPHA-GALACTOSIDASE A DEFICIENCY; ANDERSON-FABRY DISEASE; CERAMIDE TRIHEXOSIDASE DEFICIENCY; GLA DEFICIENCY; HEREDITARY DYSTOPIC LIPIDOSIS. Identifiers: Orphanet 324, MedGen C0002986, MONDO:0010526, OMIM 301500, HP:0001071. Disease mechanism: Fabry disease is due to inactivating mutations in the X-linked GLA gene resulting in deficiency of the enzyme Alpha Galactosidase-A., loss of function.
Cardiovascular phenotype. Identifiers: MedGen CN230736.

gnomAD v4.1: 1 of 1,197,970 alleles (0.000083%); highest among the groups gnomAD compares: South Asian, 0.0018%; no homozygotes.

Submissions (2):

Genomenon, Inc
Classification: Likely pathogenic for Fabry disease. Last evaluated: 2026-09-08. Review status: criteria provided, single submitter. Criteria: Genomenon Sequence Variant Interpretation Standards - Updated. Collection method: curation. Allele origin: germline. Affected: yes.
Comment: GLA p.Gly271Cys (c.811G>T) is a missense variant that changes the amino acid at codon 271 from Glycine to Cysteine. This variant has been observed in at least one proband with clinical features consistent with Fabry disease (PMID:27657681;12175777). At least one functional study has demonstrated a substantial alteration in protein function relative to the wild-type (PMID:32023956;21598360;27657681). It is absent or not present at a significant frequency in gnomAD. In silico models predict that this variant is possibly or probably damaging. In conclusion, we classify GLA p.Gly271Cys (c.811G>T) as a likely pathogenic variant.

Ambry Genetics
Classification: Likely pathogenic for Cardiovascular phenotype. Last evaluated: 2024-04-05. Review status: criteria provided, single submitter. Criteria: Ambry Variant Classification Scheme 2023. Collection method: clinical testing. Allele origin: germline.
Comment: The p.G271C variant (also known as c.811G>T), located in coding exon 6 of the GLA gene, results from a G to T substitution at nucleotide position 811. The glycine at codon 271 is replaced by cysteine, an amino acid with highly dissimilar properties. This alteration has been reported in individuals with Fabry disease (Shabbeer J et al. Mol Genet Metab, 2002 May;76:23-30; Ambry internal data). Functional studies showed this alteration reduces enzyme activity (Wu X et al. Hum Mutat, 2011 Aug;32:965-77; Lukas J et al. Int J Mol Sci, 2020 Jan;21:[ePub ahead of print]). Another variant at the same codon, p.G271V (c.812G>T), has been detected in an individual with classic Fabry disease, and alpha galactosidase activity in patient lymphoblasts and HEK293 cells was absent (Shabbeer J et al. Hum. Genomics, 2006 Mar;2:297-309; Benjamin ER et al. J. Inherit. Metab. Dis., 2009 Jun;32:424-40; Wu X et al. Hum. Mutat., 2011 Aug;32:965-77). This amino acid position is highly conserved in available vertebrate species. In addition, this alteration is predicted to be deleterious by in silico analysis. This variant is considered to be rare based on population cohorts in the Genome Aggregation Database (gnomAD). Based on the majority of available evidence to date, this variant is likely to be pathogenic.

Literature cited by the submitters: PubMed 27657681 (cited by Genomenon, Inc); PubMed 12175777 (cited by Genomenon, Inc and Ambry Genetics); PubMed 32023956 (cited by Genomenon, Inc and Ambry Genetics); PubMed 21598360 (cited by Genomenon, Inc and Ambry Genetics); PubMed 18698230 (cited by Ambry Genetics).